The following is an entry in ClinVar:

Conditions:
Long QT syndrome 5 (LQT5). Identifiers: Orphanet 101016, Orphanet 768, MedGen C1867904, MONDO:0013372, OMIM 613695.

Submission:

Roden Lab, Vanderbilt University Medical Center
No classification provided (evidence only). Condition: Long QT syndrome 5. Review status: no classification provided. Collection method: in vitro. Allele origin: not applicable. Functional consequence: Effect on ion channel function.
ClinVar note: "not provided" was previously submitted as the classification for the variant. However, the classification appeared to be based only on an observation of functional data so it was converted to no classification on 2025-07-30.

NM_000219.6(KCNE1):c.330A>G (p.Glu110=)

Gene: KCNE1 (potassium voltage-gated channel subfamily E regulatory subunit 1; minus strand). Cytogenetic location: 21q22.12.
Variant type: single nucleotide variant.
Coding change: c.330A>G on transcript NM_000219.6 (MANE Select); coding-DNA position 330, A replaced by G.
Protein change: p.Glu110=; no amino-acid change (glutamic acid 110 retained).
Molecular consequence: synonymous variant.
Genome position (GRCh38, 1-based): chr21:34,449,305, T>C on the plus strand (A>G on the coding strand, the complement: KCNE1 is on the minus strand). VCF-style: chr21-34449305-T-C. GRCh37 (hg19) VCF-style: chr21-35821603-T-C.
Other names: c.330A>G, p.Glu110= (NM_001127668.4, NM_001127669.4, NM_001127670.4 and 4 more transcripts).
Identifiers: ClinVar variation 3374657 (VCV003374657.2).